The following is an entry in ClinVar:

ClinVar aggregate classification (germline): Uncertain significance. Review status: criteria provided, multiple submitters, no conflicts (2 of 4 stars). 2 submissions from 2 submitters: Uncertain significance (2). Last evaluated 2025-12-22.

Conditions:
Cardiovascular phenotype. Identifiers: MedGen CN230736.
Hypertrophic cardiomyopathy 14. Identifiers: MedGen C2750467, MONDO:0013197, OMIM 613251.

Allele frequency attached by ClinVar (database versions not stated): gnomAD exomes 0.00001 and 0.00003; ExAC 0.00002.
gnomAD v4.1: 24 of 1,612,576 alleles (0.0015%); highest among the groups gnomAD compares: Non-Finnish European, 0.00025%; no homozygotes.

Submissions (2):

Labcorp Genetics (formerly Invitae), Labcorp
Classification: Uncertain significance for Hypertrophic cardiomyopathy 14. Last evaluated: 2025-12-22. Review status: criteria provided, single submitter. Criteria: Invitae Variant Classification Sherloc (09022015). Collection method: clinical testing. Allele origin: germline.
Comment: This sequence change replaces aspartic acid, which is acidic and polar, with valine, which is neutral and non-polar, at codon 1429 of the MYH6 protein (p.Asp1429Val). This variant is present in population databases (rs755434984, gnomAD 0.05%). This variant has not been reported in the literature in individuals affected with MYH6-related conditions. ClinVar contains an entry for this variant (Variation ID: 520360). Invitae Evidence Modeling of protein sequence and biophysical properties (such as structural, functional, and spatial information, amino acid conservation, physicochemical variation, residue mobility, and thermodynamic stability) indicates that this missense variant is expected to disrupt MYH6 protein function with a positive predictive value of 80%. In summary, the available evidence is currently insufficient to determine the role of this variant in disease. Therefore, it has been classified as a Variant of Uncertain Significance.

Ambry Genetics
Classification: Uncertain significance for Cardiovascular phenotype. Last evaluated: 2024-05-02. Review status: criteria provided, single submitter. Criteria: Ambry Variant Classification Scheme 2023. Collection method: clinical testing. Allele origin: germline.
Comment: The p.D1429V variant (also known as c.4286A>T), located in coding exon 28 of the MYH6 gene, results from an A to T substitution at nucleotide position 4286. The aspartic acid at codon 1429 is replaced by valine, an amino acid with highly dissimilar properties. This amino acid position is highly conserved in available vertebrate species. In addition, this alteration is predicted to be deleterious by in silico analysis. Since supporting evidence is limited at this time, the clinical significance of this alteration remains unclear.

NM_002471.4(MYH6):c.4286A>T (p.Asp1429Val)

Gene: MYH6 (myosin heavy chain 6; minus strand). Cytogenetic location: 14q11.2.
Variant type: single nucleotide variant.
Coding change: c.4286A>T on transcript NM_002471.4 (MANE Select); coding-DNA position 4286, A replaced by T.
Protein change: p.Asp1429Val; replaces aspartic acid 1429 with valine.
Molecular consequence: missense variant.
Genome position (GRCh38, 1-based): chr14:23,388,228, T>A on the plus strand (A>T on the coding strand, the complement: MYH6 is on the minus strand). VCF-style: chr14-23388228-T-A. GRCh37 (hg19) VCF-style: chr14-23857437-T-A.
Other names: short protein forms D1429V.
Identifiers: ClinVar variation 520360 (VCV000520360.9), dbSNP rs755434984, ClinGen allele CA7114832.